The following is an entry in ClinVar:

ClinVar aggregate classification (germline): Uncertain significance (1 of 4 stars; one submission).

Conditions:
Long QT syndrome (LQTS). Identifiers: MedGen C0023976, MeSH D008133, MONDO:0002442. Disease mechanism: loss of function. Inheritance: Various modes of inheritance.

Allele frequency attached by ClinVar (database versions not stated): TOPMed below 0.00001; gnomAD 0.00001.
gnomAD v4.1: 1 of 1,613,254 alleles (0.000062%); highest among the groups gnomAD compares: African/African-American, 0.0013%; no homozygotes.

Submission:

Labcorp Genetics (formerly Invitae), Labcorp
Classification: Uncertain significance for Long QT syndrome. Last evaluated: 2022-10-17. Review status: criteria provided, single submitter. Criteria: Invitae Variant Classification Sherloc (09022015). Collection method: clinical testing. Allele origin: germline.
Comment: This sequence change replaces lysine, which is basic and polar, with glutamic acid, which is acidic and polar, at codon 223 of the ANK2 protein (p.Lys223Glu). This variant is not present in population databases (gnomAD no frequency). This variant has not been reported in the literature in individuals affected with ANK2-related conditions. ClinVar contains an entry for this variant (Variation ID: 1419662). Algorithms developed to predict the effect of missense changes on protein structure and function are either unavailable or do not agree on the potential impact of this missense change (SIFT: "Tolerated"; PolyPhen-2: "Probably Damaging"; Align-GVGD: "Class C0"). In summary, the available evidence is currently insufficient to determine the role of this variant in disease. Therefore, it has been classified as a Variant of Uncertain Significance.

NM_001148.6(ANK2):c.667A>G (p.Lys223Glu)

Gene: ANK2 (ankyrin 2; plus strand). Cytogenetic location: 4q26.
Variant type: single nucleotide variant.
Coding change: c.667A>G on transcript NM_001148.6 (MANE Select); coding-DNA position 667, A replaced by G.
Protein change: p.Lys223Glu; replaces lysine 223 with glutamic acid.
Molecular consequence: missense variant.
Genome position (GRCh38, 1-based): chr4:113,237,170, A>G. VCF-style: chr4-113237170-A-G. GRCh37 (hg19) VCF-style: chr4-114158326-A-G.
Other names: c.604A>G, p.Lys202Glu (NM_001127493.3, NM_001354239.2, NM_001354243.2 and 33 more transcripts); c.667A>G, p.Lys223Glu (NM_001354225.2, NM_001354228.2, NM_001354232.2 and 9 more transcripts); c.712A>G, p.Lys238Glu (NM_001354230.2, NM_001354231.2, NM_001354237.2 and 5 more transcripts); c.649A>G, p.Lys217Glu (NM_001354261.2, NM_001386147.1, NM_001386160.1); c.655A>G, p.Lys219Glu (NM_001354269.3, NM_001386148.2, NM_001386186.2 and 1 more transcripts); c.718A>G, p.Lys240Glu (NM_001386174.1, NM_001386175.1); short protein forms K202E, K217E, K238E, K240E, K219E, K223E.
Identifiers: ClinVar variation 1419662 (VCV001419662.8), dbSNP rs2099389632, ClinGen allele CA357917015.
Genomic context (GRCh38, chr4:113,237,170, plus strand): 5'-GACGACACCAAATCTGCCGCACTTCTGCTTCAGAATGACCACAATGCTGACGTACAATCC[A>G]AGGTACTTAAAGCTGAACACATTTGTGGAAAGGAACTCTTTGGCTGCCAGACTCCTCCTG-3'
Protein context (NP_001139.3, residues 213-233): QNDHNADVQS[Lys223Glu]MMVNRTTESG